The following is an entry in ClinVar:

NM_001114753.3(ENG):c.880G>C (p.Asp294His)

Gene: ENG (endoglin; minus strand). Cytogenetic location: 9q34.11.
Variant type: single nucleotide variant.
Coding change: c.880G>C on transcript NM_001114753.3 (MANE Select); coding-DNA position 880, G replaced by C.
Protein change: p.Asp294His; replaces aspartic acid 294 with histidine.
Molecular consequence: missense variant.
Genome position (GRCh38, 1-based): chr9:127,824,911, C>G on the plus strand (G>C on the coding strand, the complement: ENG is on the minus strand). VCF-style: chr9-127824911-C-G. GRCh37 (hg19) VCF-style: chr9-130587190-C-G.
Other names: c.880G>C, p.Asp294His (NM_000118.4, NM_001406715.1); c.334G>C, p.Asp112His (NM_001278138.2); short protein forms D112H, D294H.
Identifiers: ClinVar variation 4870482 (VCV004870482.1).

ClinVar aggregate classification (germline): Uncertain significance (1 of 4 stars; one submission).

Conditions:
Cardiovascular phenotype. Identifiers: MedGen CN230736.

Submission:

Ambry Genetics
Classification: Uncertain significance for Cardiovascular phenotype. Last evaluated: 2026-06-08. Review status: criteria provided, single submitter. Criteria: Ambry Variant Classification Scheme 2023. Collection method: clinical testing. Allele origin: germline.
Comment: The p.D294H variant (also known as c.880G>C), located in coding exon 7 of the ENG gene, results from a G to C substitution at nucleotide position 880. The aspartic acid at codon 294 is replaced by histidine, an amino acid with similar properties. This amino acid position is conserved. In addition, this alteration is predicted to be tolerated by in silico analysis. Based on the available evidence, the clinical significance of this variant remains unclear.